The following is an entry in ClinVar:

NM_022765.4(MICAL1):c.2288G>C (p.Arg763Thr)

Gene: MICAL1 (microtubule associated monooxygenase, calponin and LIM domain containing 1; minus strand). Cytogenetic location: 6q21.
Variant type: single nucleotide variant.
Coding change: c.2288G>C on transcript NM_022765.4 (MANE Select); coding-DNA position 2288, G replaced by C.
Protein change: p.Arg763Thr; replaces arginine 763 with threonine.
Molecular consequence: missense variant.
Genome position (GRCh38, 1-based): chr6:109,446,712, C>G on the plus strand (G>C on the coding strand, the complement: MICAL1 is on the minus strand). VCF-style: chr6-109446712-C-G. GRCh37 (hg19) VCF-style: chr6-109767915-C-G.
Other names: c.2030G>C, p.Arg677Thr (NM_001159291.2); c.2345G>C, p.Arg782Thr (NM_001286613.2); short protein forms R677T, R763T, R782T.
Identifiers: ClinVar variation 2869896 (VCV002869896.3), dbSNP rs747808035, ClinGen allele CA3952986.
Genomic context (GRCh38, chr6:109,446,712, plus strand): 5'-CCTCTTCCCATGCCCCAATATACATACACGCCTTCAGTCTTTACCGGACTCTCAGGGCCT[C>G]TATCGCTGCCTTCCGCTTTGTGGTCTGTCTGGGGCAGGTGCTGGAGGCAGTAGAAATGTC-3'
Protein context (NP_073602.3, residues 753-773): QTDHKAEGSD[Arg763Thr]GPESPELPTP

ClinVar aggregate classification (germline): Uncertain significance (1 of 4 stars; one submission).

Allele frequency attached by ClinVar (database versions not stated): ExAC 0.00003.
gnomAD v4.1: 3 of 1,613,838 alleles (0.00019%); highest among the groups gnomAD compares: Non-Finnish European, 0.00025%; no homozygotes.

Submission:

Labcorp Genetics (formerly Invitae), Labcorp
Classification: Uncertain significance. Last evaluated: 2024-04-25. Review status: criteria provided, single submitter. Criteria: Invitae Variant Classification Sherloc (09022015). Collection method: clinical testing. Allele origin: germline.
Comment: This sequence change replaces arginine, which is basic and polar, with threonine, which is neutral and polar, at codon 782 of the MICAL1 protein (p.Arg782Thr). This variant is present in population databases (rs747808035, gnomAD 0.003%). This variant has not been reported in the literature in individuals affected with MICAL1-related conditions. Algorithms developed to predict the effect of missense changes on protein structure and function output the following: SIFT: "Not Available"; PolyPhen-2: "Benign"; Align-GVGD: "Not Available". The threonine amino acid residue is found in multiple mammalian species, which suggests that this missense change does not adversely affect protein function. In summary, the available evidence is currently insufficient to determine the role of this variant in disease. Therefore, it has been classified as a Variant of Uncertain Significance.